The following is an entry in ClinVar:

ClinVar aggregate classification (germline): Uncertain significance (1 of 4 stars; one submission).

Conditions:
Ataxia-telangiectasia syndrome (AT). Also called: Ataxia-telangiectasia, complementation group D; AT, COMPLEMENTATION GROUP C; ATAXIA-TELANGIECTASIA, COMPLEMENTATION GROUP A; ATAXIA-TELANGIECTASIA, FRESNO VARIANT; Ataxia-telangiectasia; Ataxia-telangiectasia, complementation group E. Identifiers: Orphanet 100, MedGen C0004135, MONDO:0008840, OMIM 208900.

Submission:

Labcorp Genetics (formerly Invitae), Labcorp
Classification: Uncertain significance for Ataxia-telangiectasia syndrome. Last evaluated: 2024-08-13. Review status: criteria provided, single submitter. Criteria: Invitae Variant Classification Sherloc (09022015). Collection method: clinical testing. Allele origin: germline.
Comment: This sequence change replaces threonine, which is neutral and polar, with serine, which is neutral and polar, at codon 1997 of the ATM protein (p.Thr1997Ser). This variant is not present in population databases (gnomAD no frequency). This variant has not been reported in the literature in individuals affected with ATM-related conditions. An algorithm developed to predict the effect of missense changes on protein structure and function (PolyPhen-2) suggests that this variant is likely to be tolerated. In summary, the available evidence is currently insufficient to determine the role of this variant in disease. Therefore, it has been classified as a Variant of Uncertain Significance.

NM_000051.4(ATM):c.5990C>G (p.Thr1997Ser)

Genes: ATM (ATM serine/threonine kinase; plus strand), C11orf65 (chromosome 11 open reading frame 65; minus strand). Cytogenetic location: 11q22.3.
Variant type: single nucleotide variant.
Coding change: c.5990C>G on transcript NM_000051.4 (MANE Select); coding-DNA position 5990, C replaced by G.
Protein change: p.Thr1997Ser; replaces threonine 1997 with serine.
Molecular consequence: missense variant. On other transcripts: intron variant (2).
Genome position (GRCh38, 1-based): chr11:108,312,482, C>G. VCF-style: chr11-108312482-C-G. GRCh37 (hg19) VCF-style: chr11-108183209-C-G.
Other names: c.5990C>G, p.Thr1997Ser (NM_001351834.2); c.641-3411G>C (NM_001330368.2); c.*39-3411G>C (NM_001351110.2); short protein forms T1997S.
Identifiers: ClinVar variation 3683135 (VCV003683135.2).
Genomic context (GRCh38, chr11:108,312,482, plus strand): 5'-TTGAAGAAGGAAGCCAGAGTACAACTATTTCTAGCTTGAGTGAAAAAAGTAAAGAAGAAA[C>G]TGGAATAAGTTTACAGGTAAATATTAGAGGCTCTATTATTTATGACAGTATTTATCTCAT-3'
Protein context (NP_000042.3, residues 1987-2007): SSLSEKSKEE[Thr1997Ser]GISLQDLLLE